The following is an entry in ClinVar:

ClinVar aggregate classification (germline): Pathogenic. Review status: criteria provided, multiple submitters, no conflicts (2 of 4 stars). 4 submissions from 4 submitters: Pathogenic (2). 2 of the submissions do not count toward it. Last evaluated 2025-12-29.

Conditions:
Breast-ovarian cancer, familial, susceptibility to, 2 (BROVCA2). Also called: BRCA2 Hereditary Breast and Ovarian Cancer. Identifiers: Orphanet 145, MedGen C2675520, MONDO:0012933, OMIM 612555. Disease mechanism: loss of function.

Submissions (4):

Center for Genomic Medicine, Rigshospitalet, Copenhagen University Hospital
Classification: Pathogenic. Last evaluated: 2025-12-29. Review status: criteria provided, single submitter. Criteria: ACMG Guidelines, 2015. Collection method: clinical testing. Allele origin: germline.
Comment: Classification criteria: PVS1, PM2_supporting, PS1_supporting

Clinical Genetics DNA and cytogenetics Diagnostics Lab, Erasmus MC, Erasmus Medical Center
Classification: Pathogenic for Breast-ovarian cancer, familial, susceptibility to, 2. Last evaluated: 2015-09-21. Review status: criteria provided, single submitter. Criteria: ACGS Guidelines, 2013. Collection method: clinical testing. Allele origin: germline. Affected: yes. Study: VKGL Data-share Consensus.

Sharing Clinical Reports Project (SCRP)
Classification: Likely pathogenic for Breast-ovarian cancer, familial 2. Last evaluated: 2012-05-01. Review status: no assertion criteria provided. Collection method: clinical testing. Allele origin: germline. Not counted in ClinVar's aggregate classification.

Diagnostic Laboratory, Department of Genetics, University Medical Center Groningen
Classification: Pathogenic for Breast-ovarian cancer, familial, susceptibility to, 2. Review status: no assertion criteria provided. Collection method: clinical testing. Allele origin: germline. Affected: yes. Study: VKGL Data-share Consensus. Not counted in ClinVar's aggregate classification.

NM_000059.4(BRCA2):c.8632+1G>T

Gene: BRCA2 (BRCA2 DNA repair associated; plus strand). Cytogenetic location: 13q13.1.
Variant type: single nucleotide variant.
Coding change: c.8632+1G>T on transcript NM_000059.4 (MANE Select); the canonical splice donor site of the intron after coding-DNA position 8632, G replaced by T.
Molecular consequence: splice donor variant.
Genome position (GRCh38, 1-based): chr13:32,371,101, G>T. VCF-style: chr13-32371101-G-T. GRCh37 (hg19) VCF-style: chr13-32945238-G-T.
Other names: IVS20+1G>T; c.8632+1G>T (NM_001406720.1); c.8536+1G>T (NM_001406719.1); c.3700+1G>T (NM_001406721.1); c.2215+1G>T (NM_001406722.1).
Identifiers: ClinVar variation 96870 (VCV000096870.4), dbSNP rs397507997, ClinGen allele CA025741.